The following is an entry in ClinVar:

NM_002875.5(RAD51):c.-61G>T

Genes: RAD51 (RAD51 recombinase; plus strand), LOC130056864 (ATAC-STARR-seq lymphoblastoid active region 9258; plus strand). Cytogenetic location: 15q15.1.
Variant type: single nucleotide variant.
Coding change: c.-61G>T on transcript NM_002875.5 (MANE Select); 61 bases upstream of the start codon, G replaced by T.
Molecular consequence: 5 prime UTR variant. On other transcripts: intron variant (1).
Genome position (GRCh38, 1-based): chr15:40,695,367, G>T. VCF-style: chr15-40695367-G-T. GRCh37 (hg19) VCF-style: chr15-40987565-G-T.
Other names: c.-61G>T (NM_001164270.2, NM_133487.4); c.-3+46G>T (NM_001164269.2).
Identifiers: ClinVar variation 1243349 (VCV001243349.3), dbSNP rs1801321, ClinGen allele CA14099130.

ClinVar aggregate classification (germline): Benign. Review status: criteria provided, multiple submitters, no conflicts (2 of 4 stars). 2 submissions from 2 submitters: Benign (2). Last evaluated 2018-06-22.

Allele frequency attached by ClinVar (database versions not stated): 1000 Genomes Project 0.25699; 1000 Genomes Project 30x 0.26062; TOPMed 0.33974; gnomAD 0.34502 and 0.35060; gnomAD exomes 0.39021.
gnomAD v4.1: 52,692 of 152,416 alleles (35%); highest among the groups gnomAD compares: Non-Finnish European, 42%; 9,734 homozygotes.

Submissions (2):

GeneDx
Classification: Benign. Last evaluated: 2018-06-22. Review status: criteria provided, single submitter. Criteria: GeneDx Variant Classification Process June 2021. Collection method: clinical testing. Allele origin: germline. Affected: yes.
Comment: This variant is associated with the following publications: (PMID: 16398215, 22613844, 17118968)

Breakthrough Genomics
Classification: Benign. Review status: criteria provided, single submitter. Criteria: ACMG Guidelines, 2015. Collection method: not provided. Allele origin: germline. Inheritance: Autosomal dominant inheritance. Affected: yes.